The following is an entry in ClinVar:

ClinVar aggregate classification (germline): Uncertain significance (1 of 4 stars; one submission).

Submission:

ISCA Site 6
Classification: Uncertain significance. Last evaluated: 2011-08-12. Review status: criteria provided, single submitter. Criteria: Kaminsky et al. (Genet Med. 2011). Collection method: clinical testing. Allele origin: unknown. Affected: yes. Observed: 1 variant allele.
Comment: Copy number variation identified through the course of routine clinical cytogenomic testing in postnatal populations. Clinical assertions have been curated as described in Kaminsky et al. 2011.

GRCh38/hg38 9p24.3(chr9:195399-340142)x3

Genes: DOCK8 (dedicator of cytokinesis 8; plus strand), DOCK8-AS1 (DOCK8 antisense RNA 1; minus strand), LOC126860552 (BRD4-independent group 4 enhancer GRCh37_chr9:285795-286994; plus strand), LOC130001435 (ATAC-STARR-seq lymphoblastoid silent region 19720; plus strand), LOC130001436 (ATAC-STARR-seq lymphoblastoid silent region 19721; plus strand) and 4 more. Cytogenetic location: 9p24.3.
Variant type: copy number gain.
Change: copy number 3 (three copies instead of two) of chr9:195,399-340,142 (144.7 kb, GRCh38 coordinates, 1-based), cytogenetic band 9p24.3.
Identifiers: ClinVar variation 58448 (VCV000058448.2).